The following is an entry in ClinVar:

NM_001112726.3(CEP170B):c.4365+7G>A

Gene: CEP170B (centrosomal protein 170B; plus strand). Cytogenetic location: 14q32.33.
Variant type: single nucleotide variant.
Coding change: c.4365+7G>A on transcript NM_001112726.3 (MANE Select); 7 bases into the intron after coding-DNA position 4365, G replaced by A.
Molecular consequence: intron variant.
Genome position (GRCh38, 1-based): chr14:104,894,385, G>A. VCF-style: chr14-104894385-G-A. GRCh37 (hg19) VCF-style: chr14-105360722-G-A.
Other names: c.4260+7G>A (NM_015005.3).
Identifiers: ClinVar variation 3040826 (VCV003040826.2), dbSNP rs2582536, ClinGen allele CA7376486.

ClinVar aggregate classification (germline): Likely benign (0 of 4 stars; one submission).

Conditions:
CEP170B-related disorder. Also called: CEP170B-related condition.

Allele frequency attached by ClinVar (database versions not stated): ExAC 0.00059; gnomAD 0.00200; ESP Exome Variant Server 0.00237; TOPMed 0.00237; 1000 Genomes Project 30x 0.00390; 1000 Genomes Project 0.00399.

Submission:

PreventionGenetics, part of Exact Sciences
Classification: Likely benign for CEP170B-related condition. Last evaluated: 2019-10-28. Review status: no assertion criteria provided. Collection method: clinical testing. Allele origin: germline.
Comment: This variant is classified as likely benign based on ACMG/AMP sequence variant interpretation guidelines (Richards et al. 2015 PMID: 25741868, with internal and published modifications).